The following is an entry in ClinVar:

ClinVar aggregate classification (germline): Uncertain significance (1 of 4 stars; one submission).

Conditions:
Fibrous dysplasia of jaw (CRBM). Also called: Cherubism. Identifiers: Orphanet 184, MedGen C0008029, MONDO:0007315, OMIM 118400.

Submission:

Labcorp Genetics (formerly Invitae), Labcorp
Classification: Uncertain significance for Fibrous dysplasia of jaw. Last evaluated: 2023-07-31. Review status: criteria provided, single submitter. Criteria: Invitae Variant Classification Sherloc (09022015). Collection method: clinical testing. Allele origin: germline.
Comment: This sequence change replaces alanine, which is neutral and non-polar, with aspartic acid, which is acidic and polar, at codon 354 of the SH3BP2 protein (p.Ala354Asp). This variant is not present in population databases (gnomAD no frequency). This variant has not been reported in the literature in individuals affected with SH3BP2-related conditions. Advanced modeling of protein sequence and biophysical properties (such as structural, functional, and spatial information, amino acid conservation, physicochemical variation, residue mobility, and thermodynamic stability) performed at Invitae indicates that this missense variant is not expected to disrupt SH3BP2 protein function. In summary, the available evidence is currently insufficient to determine the role of this variant in disease. Therefore, it has been classified as a Variant of Uncertain Significance.

NM_001122681.2(SH3BP2):c.1061C>A (p.Ala354Asp)

Gene: SH3BP2 (SH3 domain binding protein 2; plus strand). Cytogenetic location: 4p16.3.
Variant type: single nucleotide variant.
Coding change: c.1061C>A on transcript NM_001122681.2 (MANE Select); coding-DNA position 1061, C replaced by A.
Protein change: p.Ala354Asp; replaces alanine 354 with aspartic acid.
Molecular consequence: missense variant.
Genome position (GRCh38, 1-based): chr4:2,829,967, C>A. VCF-style: chr4-2829967-C-A. GRCh37 (hg19) VCF-style: chr4-2831694-C-A.
Other names: c.1145C>A, p.Ala382Asp (NM_001145855.2); c.1232C>A, p.Ala411Asp (NM_001145856.2); c.1061C>A, p.Ala354Asp (NM_003023.4); short protein forms A382D, A354D, A411D.
Identifiers: ClinVar variation 2798453 (VCV002798453.3), dbSNP rs1016515984, ClinGen allele CA356056952.